The following is an entry in ClinVar:

NM_000179.3(MSH6):c.1418T>C (p.Leu473Pro)

Gene: MSH6 (mutS homolog 6; plus strand). Cytogenetic location: 2p16.3.
Variant type: single nucleotide variant.
Coding change: c.1418T>C on transcript NM_000179.3 (MANE Select); coding-DNA position 1418, T replaced by C.
Protein change: p.Leu473Pro; replaces leucine 473 with proline.
Molecular consequence: missense variant.
Genome position (GRCh38, 1-based): chr2:47,799,401, T>C. VCF-style: chr2-47799401-T-C. GRCh37 (hg19) VCF-style: chr2-48026540-T-C.
Other names: c.1028T>C, p.Leu343Pro (NM_001281492.2); c.512T>C, p.Leu171Pro (NM_001281493.2, NM_001281494.2); short protein forms L473P, L343P, L171P.
Identifiers: ClinVar variation 489964 (VCV000489964.19), dbSNP rs1553412831, ClinGen allele CA346745351.

ClinVar aggregate classification (germline): Conflicting classifications of pathogenicity. Review status: criteria provided, conflicting classifications (1 of 4 stars). 3 submissions from 3 submitters: Likely pathogenic (1); Uncertain significance (2). Last evaluated 2026-08-21.

Conditions:
Hereditary nonpolyposis colorectal neoplasms. Identifiers: MedGen C0009405, MeSH D003123.
Hereditary cancer-predisposing syndrome. Also called: Neoplastic Syndromes, Hereditary; Hereditary neoplastic syndrome; Hereditary Cancer Syndrome; Tumor predisposition. Identifiers: Orphanet 140162, MedGen C0027672, MeSH D009386, MONDO:0015356.

Submissions (3):

Ambry Genetics
Classification: Likely pathogenic for Hereditary cancer-predisposing syndrome. Last evaluated: 2026-08-21. Review status: criteria provided, single submitter. Criteria: Ambry Variant Classification Scheme 2023. Collection method: clinical testing. Allele origin: germline.
Comment: The p.L473P variant (also known as c.1418T>C), located in coding exon 4 of the MSH6 gene, results from a T to C substitution at nucleotide position 1418. The leucine at codon 473 is replaced by proline, an amino acid with similar properties. This variant has been identified in a proband whose Lynch syndrome-associated tumor demonstrated high microsatellite instability and loss of MSH6 expression by immunohistochemistry (Li S et al. J. Med. Genet. 2020 Jan;57:62-69; Ambry internal data). Based on internal structural analysis, this variant is anticipated to result in a significant decrease in structural stability (Warren JJ et al. Mol Cell, 2007 May;26:579-92). This amino acid position is highly conserved in available vertebrate species. In addition, this alteration is predicted to be deleterious by in silico analysis. This variant is considered to be rare based on population cohorts in the Genome Aggregation Database (gnomAD). Based on the majority of available evidence to date, this variant is likely to be pathogenic.

Color Diagnostics, LLC DBA Color Health
Classification: Uncertain significance for Hereditary cancer-predisposing syndrome. Last evaluated: 2023-12-05. Review status: criteria provided, single submitter. Criteria: ACMG Guidelines, 2015. Collection method: clinical testing. Allele origin: germline.
Comment: This missense variant replaces leucine with proline at codon 473 of the MSH6 protein. Computational prediction suggests that this variant may have deleterious impact on protein structure and function (internally defined REVEL score threshold >= 0.7, PMID: 27666373). To our knowledge, functional studies have not been reported for this variant. This variant has not been reported in individuals affected with MSH6-related disorders in the literature. This variant has not been identified in the general population by the Genome Aggregation Database (gnomAD). The available evidence is insufficient to determine the role of this variant in disease conclusively. Therefore, this variant is classified as a Variant of Uncertain Significance.

Labcorp Genetics (formerly Invitae), Labcorp
Classification: Uncertain significance for Hereditary nonpolyposis colorectal neoplasms. Last evaluated: 2020-07-29. Review status: criteria provided, single submitter. Criteria: Invitae Variant Classification Sherloc (09022015). Collection method: clinical testing. Allele origin: germline.
Comment: In summary, the available evidence is currently insufficient to determine the role of this variant in disease. Therefore, it has been classified as a Variant of Uncertain Significance. Algorithms developed to predict the effect of missense changes on protein structure and function (SIFT, PolyPhen-2, Align-GVGD) all suggest that this variant is likely to be disruptive, but these predictions have not been confirmed by published functional studies and their clinical significance is uncertain. This variant has not been reported in the literature in individuals with MSH6-related conditions. ClinVar contains an entry for this variant (Variation ID: 489964). This variant is not present in population databases (ExAC no frequency). This sequence change replaces leucine with proline at codon 473 of the MSH6 protein (p.Leu473Pro). The leucine residue is highly conserved and there is a moderate physicochemical difference between leucine and proline.

Literature cited by the submitters: PubMed 17531815 (cited by Ambry Genetics).